The following is an entry in ClinVar:

ClinVar aggregate classification (germline): Benign (1 of 4 stars; one submission).

Allele frequency attached by ClinVar (database versions not stated): gnomAD 0.98688; 1000 Genomes Project 0.98802; TOPMed 0.98503; 1000 Genomes Project 30x 0.98657.

Submission:

GeneDx
Classification: Benign. Last evaluated: 2018-06-16. Review status: criteria provided, single submitter. Criteria: GeneDx Variant Classification (06012015). Collection method: clinical testing. Allele origin: germline. Affected: yes.
Comment: This variant is considered likely benign or benign based on one or more of the following criteria: it is a conservative change, it occurs at a poorly conserved position in the protein, it is predicted to be benign by multiple in silico algorithms, and/or has population frequency not consistent with disease.

NM_024596.5(MCPH1):c.2136+292G>A

Gene: MCPH1 (microcephalin 1; plus strand). Cytogenetic location: 8p23.1.
Variant type: single nucleotide variant.
Coding change: c.2136+292G>A on transcript NM_024596.5 (MANE Select); 292 bases into the intron after coding-DNA position 2136, G replaced by A.
Molecular consequence: intron variant.
Genome position (GRCh38, 1-based): chr8:6,481,168, G>A. VCF-style: chr8-6481168-G-A. GRCh37 (hg19) VCF-style: chr8-6338689-G-A.
Other names: c.2136+292G>A (NM_001322042.2, NM_001363979.1); c.1935+25916G>A (NM_001363980.2).
Identifiers: ClinVar variation 684323 (VCV000684323.1), dbSNP rs1550689, ClinGen allele CA171363814.
Genomic context (GRCh38, chr8:6,481,168, plus strand): 5'-AGTGAGTAGCCTCTAAGATAAAGCAGAAGCAAGATTACAAAGATGCTGAAAGAAACGCAA[G>A]ATGCATGTTCTCACAGTCAAAGAGCTTTCCTCTATGTGTGACCAAGAAACATTGTGAGCT-3'